The following is an entry in ClinVar:

NM_006846.4(SPINK5):c.64A>G (p.Ser22Gly)

Gene: SPINK5 (serine peptidase inhibitor Kazal type 5; plus strand). Cytogenetic location: 5q32.
Variant type: single nucleotide variant.
Coding change: c.64A>G on transcript NM_006846.4 (MANE Select); coding-DNA position 64, A replaced by G.
Protein change: p.Ser22Gly; replaces serine 22 with glycine.
Molecular consequence: missense variant.
Genome position (GRCh38, 1-based): chr5:148,065,355, A>G. VCF-style: chr5-148065355-A-G. GRCh37 (hg19) VCF-style: chr5-147444918-A-G.
Other names: c.64A>G, p.Ser22Gly (NM_001127698.2, NM_001127699.2); short protein forms S22G.
Identifiers: ClinVar variation 1428663 (VCV001428663.8), dbSNP rs2127182478, ClinGen allele CA361887459.

ClinVar aggregate classification (germline): Uncertain significance (1 of 4 stars; one submission).

Conditions:
Ichthyosis linearis circumflexa. Identifiers: MedGen C0265962, MONDO:0043106, HP:0025810.

Submission:

Labcorp Genetics (formerly Invitae), Labcorp
Classification: Uncertain significance for Ichthyosis linearis circumflexa. Last evaluated: 2022-06-13. Review status: criteria provided, single submitter. Criteria: Invitae Variant Classification Sherloc (09022015). Collection method: clinical testing. Allele origin: germline.
Comment: In summary, the available evidence is currently insufficient to determine the role of this variant in disease. Therefore, it has been classified as a Variant of Uncertain Significance. Algorithms developed to predict the effect of sequence changes on RNA splicing suggest that this variant may create or strengthen a splice site. Algorithms developed to predict the effect of missense changes on protein structure and function output the following: SIFT: "Tolerated"; PolyPhen-2: "Benign"; Align-GVGD: "Class C0". The glycine amino acid residue is found in multiple mammalian species, which suggests that this missense change does not adversely affect protein function. This variant has not been reported in the literature in individuals affected with SPINK5-related conditions. This variant is not present in population databases (gnomAD no frequency). This sequence change replaces serine, which is neutral and polar, with glycine, which is neutral and non-polar, at codon 22 of the SPINK5 protein (p.Ser22Gly).